The following is an entry in ClinVar:

NM_004519.4(KCNQ3):c.1141-8C>G

Gene: KCNQ3 (potassium voltage-gated channel subfamily Q member 3; minus strand). Cytogenetic location: 8q24.22.
Variant type: single nucleotide variant.
Coding change: c.1141-8C>G on transcript NM_004519.4 (MANE Select); 8 bases into the intron before coding-DNA position 1141, C replaced by G.
Molecular consequence: intron variant.
Genome position (GRCh38, 1-based): chr8:132,170,436, G>C on the plus strand (C>G on the coding strand, the complement: KCNQ3 is on the minus strand). VCF-style: chr8-132170436-G-C. GRCh37 (hg19) VCF-style: chr8-133182683-G-C.
Other names: c.781-8C>G (NM_001204824.2).
Identifiers: ClinVar variation 2766609 (VCV002766609.3), dbSNP rs2536933586, ClinGen allele CA2688628393.

ClinVar aggregate classification (germline): Uncertain significance (1 of 4 stars; one submission).

Conditions:
Benign neonatal seizures. Also called: Benign familial neonatal epilepsy; Benign familial neonatal seizures; Convulsions benign familial neonatal dominant form; Autosomal dominant form of benign neonatal seizures; Benign neonatal familial convulsions. Identifiers: Orphanet 1949, MedGen C0220669, MONDO:0016027.

Allele frequency attached by ClinVar (database versions not stated): gnomAD exomes below 0.00001.
gnomAD v4.1: 1 of 1,599,810 alleles (0.000063%); highest among the groups gnomAD compares: Non-Finnish European, 0.000086%; no homozygotes.

Submission:

Labcorp Genetics (formerly Invitae), Labcorp
Classification: Uncertain significance for Benign neonatal seizures. Last evaluated: 2023-10-07. Review status: criteria provided, single submitter. Criteria: Invitae Variant Classification Sherloc (09022015). Collection method: clinical testing. Allele origin: germline.
Comment: This sequence change falls in intron 7 of the KCNQ3 gene. It does not directly change the encoded amino acid sequence of the KCNQ3 protein. This variant is not present in population databases (gnomAD no frequency). This variant has not been reported in the literature in individuals affected with KCNQ3-related conditions. Algorithms developed to predict the effect of sequence changes on RNA splicing suggest that this variant may disrupt the consensus splice site. In summary, the available evidence is currently insufficient to determine the role of this variant in disease. Therefore, it has been classified as a Variant of Uncertain Significance.